The following is an entry in ClinVar:

NM_013275.6(ANKRD11):c.5473A>C (p.Met1825Leu)

Gene: ANKRD11 (ankyrin repeat domain 11; minus strand). Cytogenetic location: 16q24.3.
Variant type: single nucleotide variant.
Coding change: c.5473A>C on transcript NM_013275.6 (MANE Select); coding-DNA position 5473, A replaced by C.
Protein change: p.Met1825Leu; replaces methionine 1825 with leucine.
Molecular consequence: missense variant.
Genome position (GRCh38, 1-based): chr16:89,281,069, T>G on the plus strand (A>C on the coding strand, the complement: ANKRD11 is on the minus strand). VCF-style: chr16-89281069-T-G. GRCh37 (hg19) VCF-style: chr16-89347477-T-G.
Other names: c.5473A>C, p.Met1825Leu (NM_001256182.2, NM_001256183.2); short protein forms M1825L.
Identifiers: ClinVar variation 3670553 (VCV003670553.2).
Genomic context (GRCh38, chr16:89,281,069, plus strand): 5'-AGGCAAACTTCTCCGCGGGAACCGGGGGCAGGGGCGCCCTGTCTTCCATCGAGGGTGGCA[T>G]GGGAGAGTCGTAGCTGGAGGCAGCAGGAACGCTCTGCTGCCTGAAGAGCTTGTCTCCGAC-3'
Protein context (NP_037407.4, residues 1815-1835): VPAASSYDSP[Met1825Leu]PPSMEDRAPL

ClinVar aggregate classification (germline): Uncertain significance (1 of 4 stars; one submission).

Conditions:
KBG syndrome (KBGS). Also called: ANKRD11-Related KBG Syndrome. Identifiers: Orphanet 2332, MedGen C0220687, MONDO:0007846, OMIM 148050.

Submission:

Labcorp Genetics (formerly Invitae), Labcorp
Classification: Uncertain significance for KBG syndrome. Last evaluated: 2024-04-27. Review status: criteria provided, single submitter. Criteria: Invitae Variant Classification Sherloc (09022015). Collection method: clinical testing. Allele origin: germline.
Comment: This sequence change replaces methionine, which is neutral and non-polar, with leucine, which is neutral and non-polar, at codon 1825 of the ANKRD11 protein (p.Met1825Leu). This variant is not present in population databases (gnomAD no frequency). This variant has not been reported in the literature in individuals affected with ANKRD11-related conditions. Advanced modeling of protein sequence and biophysical properties (such as structural, functional, and spatial information, amino acid conservation, physicochemical variation, residue mobility, and thermodynamic stability) performed at Invitae indicates that this missense variant is not expected to disrupt ANKRD11 protein function with a negative predictive value of 95%. In summary, the available evidence is currently insufficient to determine the role of this variant in disease. Therefore, it has been classified as a Variant of Uncertain Significance.